The following is an entry in ClinVar:

ClinVar aggregate classification (germline): Pathogenic (1 of 4 stars; one submission).

Submission:

Labcorp Genetics (formerly Invitae), Labcorp
Classification: Pathogenic. Last evaluated: 2025-02-10. Review status: criteria provided, single submitter. Criteria: Invitae Variant Classification Sherloc (09022015). Collection method: clinical testing. Allele origin: germline.
Comment: This sequence change creates a premature translational stop signal (p.Ile9Lysfs*5) in the IARS gene. It is expected to result in an absent or disrupted protein product. Loss-of-function variants in IARS are known to be pathogenic (PMID: 27426735, 27891590). This variant is not present in population databases (gnomAD no frequency). This variant has not been reported in the literature in individuals affected with IARS-related conditions. ClinVar contains an entry for this variant (Variation ID: 2987089). For these reasons, this variant has been classified as Pathogenic.

Literature cited by the submitters: PubMed 27426735; PubMed 27891590.

NM_002161.6(IARS1):c.26_27del (p.Ile9fs)

Gene: IARS1 (isoleucyl-tRNA synthetase 1; minus strand). Cytogenetic location: 9q22.31.
Variant type: Deletion.
Coding change: c.26_27del on transcript NM_002161.6 (MANE Select); coding-DNA positions 26 to 27, 2 bases deleted (TA; older notation c.26_27delTA).
Protein change: p.Ile9fs; shifts the reading frame from isoleucine 9.
Molecular consequence: frameshift variant. On other transcripts: non-coding transcript variant (1).
Genome position (GRCh38, 1-based): chr9:92,289,393-92,289,394, TA deleted on the plus strand (TA on the coding strand, the reverse complement: IARS1 is on the minus strand); deleting any 2 consecutive bases within chr9:92,289,393-92,289,395 gives the same sequence; the c. name uses the placement nearest the transcript's 3' end. VCF-style (leftmost placement, unchanged base first): chr9-92289392-TTA-T. GRCh37 (hg19) VCF-style: chr9-95051674-TTA-T.
Other names: c.26_27del, p.Ile9fs (NM_001374299.1, NM_001374300.1, NM_001374301.1 and 17 more transcripts); short protein forms I9fs.
Identifiers: ClinVar variation 2987089 (VCV002987089.3), dbSNP rs2491063775, ClinGen allele CA2740095524.